The following is an entry in ClinVar:

NM_153700.2(STRC):c.4910C>T (p.Ala1637Val)

Gene: STRC (stereocilin; minus strand). Cytogenetic location: 15q15.3.
Variant type: single nucleotide variant.
Coding change: c.4910C>T on transcript NM_153700.2 (MANE Select); coding-DNA position 4910, C replaced by T.
Protein change: p.Ala1637Val; replaces alanine 1637 with valine.
Molecular consequence: missense variant.
Genome position (GRCh38, 1-based): chr15:43,600,617, G>A on the plus strand (C>T on the coding strand, the complement: STRC is on the minus strand). VCF-style: chr15-43600617-G-A. GRCh37 (hg19) VCF-style: chr15-43892815-G-A.
Other names: short protein forms A1637V.
Identifiers: ClinVar variation 4632425 (VCV004632425.1).

ClinVar aggregate classification (germline): Uncertain significance (1 of 4 stars; one submission).

Conditions:
Inborn genetic diseases. Identifiers: MedGen C0950123, MeSH D030342.

Submission:

Ambry Genetics
Classification: Uncertain significance for Inborn genetic diseases. Last evaluated: 2025-10-22. Review status: criteria provided, single submitter. Criteria: Ambry Variant Classification Scheme 2023. Collection method: clinical testing. Allele origin: germline.
Comment: The c.4910C>T (p.A1637V) alteration is located in exon 26 (coding exon 26) of the STRC gene. This alteration results from a C to T substitution at nucleotide position 4910, causing the alanine (A) at amino acid position 1637 to be replaced by a valine (V). Based on data from gnomAD, the T allele has an overall frequency of 0.002% (4/251398) total alleles studied. The highest observed frequency was 0.012% (4/34586) of Latino alleles. Based on insufficient or conflicting evidence, the clinical significance of this alteration remains unclear.